The following is an entry in ClinVar:

ClinVar aggregate classification (germline): Likely pathogenic (3 of 4 stars; one submission).

Conditions:
Phenylketonuria (PKU). Also called: Phenylketonuria (PKU); FOLLING DISEASE; OLIGOPHRENIA PHENYLPYRUVICA; Phenylketonurias. Identifiers: Orphanet 716, MedGen C0031485, MONDO:0009861, OMIM 261600. Disease mechanism: loss of function.

Submission:

ClinGen PAH Variant Curation Expert Panel
Classification: Likely pathogenic for Phenylketonuria. Last evaluated: 2020-08-13. Review status: reviewed by expert panel. Criteria: ClinGen PAH ACMG Specifications v1. Collection method: curation. Allele origin: germline. Inheritance: Autosomal recessive inheritance.
Comment: The c.1301C>T (p.Ala434Val) variant in PAH has been reported in 1 individual with classic PKU detected with pathogenic variant p.R243X (PMID: 24350308). This variant is absent in population databases. Another missense change at the same amino acid (p.Ala434Asp) is likely pathogenic by 1 submitter and pathogenic by PAH VCEP. Computational evidence is conflicting. In summary, this variant meets criteria to be classified as likely pathogenic for PAH. PAH-specific ACMG/AMP criteria applied: PM2, PM5, PM3_supporting, PP4.

Literature cited by the submitters: PubMed 24350308.

NM_000277.3(PAH):c.1301C>T (p.Ala434Val)

Gene: PAH (phenylalanine hydroxylase; minus strand). Cytogenetic location: 12q23.2.
Variant type: single nucleotide variant.
Coding change: c.1301C>T on transcript NM_000277.3 (MANE Select); coding-DNA position 1301, C replaced by T.
Protein change: p.Ala434Val; replaces alanine 434 with valine.
Molecular consequence: missense variant.
Genome position (GRCh38, 1-based): chr12:102,840,414, G>A on the plus strand (C>T on the coding strand, the complement: PAH is on the minus strand). VCF-style: chr12-102840414-G-A. GRCh37 (hg19) VCF-style: chr12-103234192-G-A.
Other names: NM_000277.1:c.1301C>T; c.1301C>T, p.Ala434Val (NM_001354304.2); short protein forms A434V.
Identifiers: ClinVar variation 1327550 (VCV001327550.1), dbSNP rs199475659, ClinGen allele CA16020990.